The following is an entry in ClinVar:

NM_032603.5(LOXL3):c.1383A>T (p.Gln461His)

Gene: LOXL3 (lysyl oxidase like 3; minus strand). Cytogenetic location: 2p13.1.
Variant type: single nucleotide variant.
Coding change: c.1383A>T on transcript NM_032603.5 (MANE Select); coding-DNA position 1383, A replaced by T.
Protein change: p.Gln461His; replaces glutamine 461 with histidine.
Molecular consequence: missense variant.
Genome position (GRCh38, 1-based): chr2:74,535,621, T>A on the plus strand (A>T on the coding strand, the complement: LOXL3 is on the minus strand). VCF-style: chr2-74535621-T-A. GRCh37 (hg19) VCF-style: chr2-74762748-T-A.
Other names: c.948A>T, p.Gln316His (NM_001289164.3); c.300A>T, p.Gln100His (NM_001289165.2); short protein forms Q316H, Q100H, Q461H.
Identifiers: ClinVar variation 1958959 (VCV001958959.5), dbSNP rs1675970086, ClinGen allele CA347387928.

ClinVar aggregate classification (germline): Uncertain significance (1 of 4 stars; one submission).

Allele frequency attached by ClinVar (database versions not stated): gnomAD 0.00001.
gnomAD v4.1: 2 of 1,614,000 alleles (0.00012%); highest among the groups gnomAD compares: Non-Finnish European, 0.000085%; no homozygotes.

Submission:

Labcorp Genetics (formerly Invitae), Labcorp
Classification: Uncertain significance. Last evaluated: 2022-06-12. Review status: criteria provided, single submitter. Criteria: Invitae Variant Classification Sherloc (09022015). Collection method: clinical testing. Allele origin: germline.
Comment: This variant has not been reported in the literature in individuals affected with LOXL3-related conditions. In summary, the available evidence is currently insufficient to determine the role of this variant in disease. Therefore, it has been classified as a Variant of Uncertain Significance. Algorithms developed to predict the effect of missense changes on protein structure and function are either unavailable or do not agree on the potential impact of this missense change (SIFT: "Deleterious"; PolyPhen-2: "Probably Damaging"; Align-GVGD: "Class C15"). This variant is not present in population databases (gnomAD no frequency). This sequence change replaces glutamine, which is neutral and polar, with histidine, which is basic and polar, at codon 461 of the LOXL3 protein (p.Gln461His).